The following is an entry in ClinVar:

ClinVar aggregate classification (germline): Uncertain significance. Review status: criteria provided, single submitter (1 of 4 stars). 2 submissions from 2 submitters: Uncertain significance (1). 1 of the submissions does not count toward it. Last evaluated 2019-10-18.

Conditions:
Dyschromatosis universalis hereditaria 1 (DUH1). Identifiers: MedGen C2675711, MONDO:0024524, OMIM 127500.

Submissions (2):

SIB Swiss Institute of Bioinformatics
Classification: Uncertain significance for Dyschromatosis universalis hereditaria 1. Last evaluated: 2019-10-18. Review status: criteria provided, single submitter. Criteria: ACMG Guidelines, 2015. Collection method: curation. Allele origin: unknown.
Comment: This variant is interpreted as a variant of uncertain significance for Dyschromatosis universalis hereditaria 1, autosomal dominant. The following ACMG Tag(s) were applied: PM2, PM1-Supporting.

OMIM
Classification: Pathogenic for DYSCHROMATOSIS UNIVERSALIS HEREDITARIA 1. Last evaluated: 2019-06-24. Review status: no assertion criteria provided. Collection method: literature only. Allele origin: germline. Not counted in ClinVar's aggregate classification.

Literature cited by the submitters: PubMed 29956681 (cited by SIB Swiss Institute of Bioinformatics and OMIM).

NM_015278.5(SASH1):c.1784T>C (p.Met595Thr)

Gene: SASH1 (SAM and SH3 domain containing 1; plus strand). Cytogenetic location: 6q25.1.
Variant type: single nucleotide variant.
Coding change: c.1784T>C on transcript NM_015278.5 (MANE Select); coding-DNA position 1784, T replaced by C.
Protein change: p.Met595Thr; replaces methionine 595 with threonine.
Molecular consequence: missense variant.
Genome position (GRCh38, 1-based): chr6:148,533,820, T>C. VCF-style: chr6-148533820-T-C. GRCh37 (hg19) VCF-style: chr6-148854956-T-C.
Other names: c.1649T>C, p.Met550Thr (NM_001346505.2); c.1412T>C, p.Met471Thr (NM_001346506.2); c.1067T>C, p.Met356Thr (NM_001346507.2); c.1556T>C, p.Met519Thr (NM_001346508.2); c.1433T>C, p.Met478Thr (NM_001346509.2); short protein forms M595T, M478T, M519T, M550T, M471T, M356T.
Identifiers: ClinVar variation 624634 (VCV000624634.4), dbSNP rs1562491501, ClinGen allele CA365988637.
Genomic context (GRCh38, chr6:148,533,820, plus strand): 5'-CTGGGCCACAGAAAGGAGATATCATCGATATAATCAGCAAGCCACCCATGGGGACCTGGA[T>C]GGGCCTGCTGAACAACAAAGTCGGCACGTTCAAGTTCATCTACGTGGACGTGCTCAGTGA-3'
Protein context (NP_056093.3, residues 585-605): IISKPPMGTW[Met595Thr]GLLNNKVGTF